The following is an entry in ClinVar:

NM_001244926.2(PRPF4):c.605C>T (p.Pro202Leu)

Gene: PRPF4 (pre-mRNA splicing tri-snRNP complex factor PRPF4; plus strand). Cytogenetic location: 9q32.
Variant type: single nucleotide variant.
Coding change: c.605C>T on transcript NM_001244926.2 (MANE Select); coding-DNA position 605, C replaced by T.
Protein change: p.Pro202Leu; replaces proline 202 with leucine.
Molecular consequence: missense variant. On other transcripts: 5 prime UTR variant (2), non-coding transcript variant (2).
Genome position (GRCh38, 1-based): chr9:113,283,433, C>T. VCF-style: chr9-113283433-C-T. GRCh37 (hg19) VCF-style: chr9-116045713-C-T.
Other names: c.-161C>T (NM_001322266.2, NM_001322267.2); c.608C>T, p.Pro203Leu (NM_004697.5); short protein forms P202L, P203L.
Identifiers: ClinVar variation 1999032 (VCV001999032.4), dbSNP rs1832341443, ClinGen allele CA374553195.

ClinVar aggregate classification (germline): Uncertain significance (1 of 4 stars; one submission).

Allele frequency attached by ClinVar (database versions not stated): TOPMed below 0.00001.
gnomAD v4.1: 1 of 1,614,138 alleles (0.000062%); highest among the groups gnomAD compares: South Asian, 0.0011%; no homozygotes.

Submission:

Labcorp Genetics (formerly Invitae), Labcorp
Classification: Uncertain significance. Last evaluated: 2022-09-24. Review status: criteria provided, single submitter. Criteria: Invitae Variant Classification Sherloc (09022015). Collection method: clinical testing. Allele origin: germline.
Comment: This variant is not present in population databases (gnomAD no frequency). This sequence change replaces proline, which is neutral and non-polar, with leucine, which is neutral and non-polar, at codon 203 of the PRPF4 protein (p.Pro203Leu). This variant has not been reported in the literature in individuals affected with PRPF4-related conditions. Algorithms developed to predict the effect of missense changes on protein structure and function are either unavailable or do not agree on the potential impact of this missense change (SIFT: "Deleterious"; PolyPhen-2: "Benign"; Align-GVGD: "Class C15"). In summary, the available evidence is currently insufficient to determine the role of this variant in disease. Therefore, it has been classified as a Variant of Uncertain Significance.